The following is an entry in ClinVar:

NM_012062.5(DNM1L):c.729A>G (p.Gly243=)

Gene: DNM1L (dynamin 1 like; plus strand). Cytogenetic location: 12p11.21.
Variant type: single nucleotide variant.
Coding change: c.729A>G on transcript NM_012062.5 (MANE Select); coding-DNA position 729, A replaced by G.
Protein change: p.Gly243=; no amino-acid change (glycine 243 retained).
Molecular consequence: synonymous variant. On other transcripts: intron variant (1).
Genome position (GRCh38, 1-based): chr12:32,718,752, A>G. VCF-style: chr12-32718752-A-G. GRCh37 (hg19) VCF-style: chr12-32871686-A-G.
Other names: c.729A>G, p.Gly243= (NM_001278463.2, NM_005690.5, NM_012063.4); c.768A>G, p.Gly256= (NM_001278464.2, NM_001278465.2, NM_001330380.2); c.132-1912A>G (NM_001278466.2).
Identifiers: ClinVar variation 2128235 (VCV002128235.4), dbSNP rs2541036376, ClinGen allele CA479170152.
Genomic context (GRCh38, chr12:32,718,752, plus strand): 5'-TACTGATGCCATGGATGTATTGATGGGAAGGGTTATTCCAGTCAAACTTGGAATAATTGG[A>G]GTAGTTAACAGGTTAGCAGTTAGAATGGGATAAGAATTGGGATAAGCATTCTTAGAATGG-3'
Protein context (NP_036192.2, residues 233-253): RVIPVKLGII[Gly243=]VVNRSQLDIN

ClinVar aggregate classification (germline): Uncertain significance (1 of 4 stars; one submission).

Submission:

Labcorp Genetics (formerly Invitae), Labcorp
Classification: Uncertain significance. Last evaluated: 2024-01-07. Review status: criteria provided, single submitter. Criteria: Invitae Variant Classification Sherloc (09022015). Collection method: clinical testing. Allele origin: germline.
Comment: This sequence change affects codon 243 of the DNM1L mRNA. It is a 'silent' change, meaning that it does not change the encoded amino acid sequence of the DNM1L protein. This variant is not present in population databases (gnomAD no frequency). This variant has not been reported in the literature in individuals affected with DNM1L-related conditions. ClinVar contains an entry for this variant (Variation ID: 2128235). Algorithms developed to predict the effect of sequence changes on RNA splicing suggest that this variant may disrupt the consensus splice site. In summary, the available evidence is currently insufficient to determine the role of this variant in disease. Therefore, it has been classified as a Variant of Uncertain Significance.